The following is an entry in ClinVar:

ClinVar aggregate classification (germline): Uncertain significance (1 of 4 stars; one submission).

Allele frequency attached by ClinVar (database versions not stated): gnomAD exomes below 0.00001; ExAC 0.00001; gnomAD 0.00001; TOPMed 0.00001.
gnomAD v4.1: 3 of 1,614,092 alleles (0.00019%); highest among the groups gnomAD compares: African/African-American, 0.0027%; no homozygotes.

Submission:

Labcorp Genetics (formerly Invitae), Labcorp
Classification: Uncertain significance. Last evaluated: 2023-11-25. Review status: criteria provided, single submitter. Criteria: Invitae Variant Classification Sherloc (09022015). Collection method: clinical testing. Allele origin: germline.
Comment: This sequence change replaces asparagine, which is neutral and polar, with serine, which is neutral and polar, at codon 518 of the SPECC1L protein (p.Asn518Ser). This variant is present in population databases (rs765189015, gnomAD 0.007%). This variant has not been reported in the literature in individuals affected with SPECC1L-related conditions. An algorithm developed to predict the effect of missense changes on protein structure and function (PolyPhen-2) suggests that this variant is likely to be tolerated. In summary, the available evidence is currently insufficient to determine the role of this variant in disease. Therefore, it has been classified as a Variant of Uncertain Significance.

NM_015330.6(SPECC1L):c.1553A>G (p.Asn518Ser)

Genes: SPECC1L (sperm antigen with calponin homology and coiled-coil domains 1 like; plus strand), SPECC1L-ADORA2A (SPECC1L-ADORA2A readthrough (NMD candidate); plus strand). Cytogenetic location: 22q11.23.
Variant type: single nucleotide variant.
Coding change: c.1553A>G on transcript NM_015330.6 (MANE Select); coding-DNA position 1553, A replaced by G.
Protein change: p.Asn518Ser; replaces asparagine 518 with serine.
Molecular consequence: missense variant. On other transcripts: non-coding transcript variant (1).
Genome position (GRCh38, 1-based): chr22:24,322,533, A>G. VCF-style: chr22-24322533-A-G. GRCh37 (hg19) VCF-style: chr22-24718501-A-G.
Other names: c.1553A>G, p.Asn518Ser (NM_001145468.4, NM_001254732.3); short protein forms N518S.
Identifiers: ClinVar variation 2868230 (VCV002868230.3), dbSNP rs765189015, ClinGen allele CA10152138.